The following is an entry in ClinVar:

ClinVar aggregate classification (germline): Conflicting classifications of pathogenicity. Review status: criteria provided, conflicting classifications (1 of 4 stars). 8 submissions from 8 submitters: Uncertain significance (4); Likely benign (1). 3 of the submissions do not count toward it. Last evaluated 2025-12-08.

Conditions:
Hereditary breast ovarian cancer syndrome. Also called: Hereditary breast and ovarian cancer syndrome; Hereditary breast and ovarian cancer; Hereditary breast and ovarian cancer syndrome (HBOC); Breast and ovarian cancer; Hereditary breast and/or ovarian cancer syndrome; BRCA1- and BRCA2-Associated Hereditary Breast and Ovarian Cancer. Identifiers: Orphanet 145, MedGen C0677776, MeSH D061325, MONDO:0003582. Disease mechanism: loss of function.
BRCA2-related cancer predisposition. Identifiers: MedGen CN377758, MONDO:0700269.
Hereditary cancer-predisposing syndrome. Also called: Neoplastic Syndromes, Hereditary; Tumor predisposition; Hereditary neoplastic syndrome; Hereditary Cancer Syndrome. Identifiers: Orphanet 140162, MedGen C0027672, MeSH D009386, MONDO:0015356.
Breast-ovarian cancer, familial, susceptibility to, 2 (BROVCA2). Also called: BRCA2 Hereditary Breast and Ovarian Cancer. Identifiers: Orphanet 145, MedGen C2675520, MONDO:0012933, OMIM 612555. Disease mechanism: loss of function.

Allele frequency attached by ClinVar (database versions not stated): gnomAD exomes below 0.00001.
gnomAD v4.1: 3 of 1,614,004 alleles (0.00019%); highest among the groups gnomAD compares: Non-Finnish European, 0.00025%; no homozygotes.

Submissions (8):

Labcorp Genetics (formerly Invitae), Labcorp
Classification: Uncertain significance for Hereditary breast ovarian cancer syndrome. Last evaluated: 2025-12-08. Review status: criteria provided, single submitter. Criteria: Invitae Variant Classification Sherloc (09022015). Collection method: clinical testing. Allele origin: germline.
Comment: This sequence change replaces isoleucine, which is neutral and non-polar, with valine, which is neutral and non-polar, at codon 3103 of the BRCA2 protein (p.Ile3103Val). This variant is not present in population databases (gnomAD no frequency). This variant has not been reported in the literature in individuals affected with BRCA2-related conditions. ClinVar contains an entry for this variant (Variation ID: 52810). Invitae Evidence Modeling of protein sequence and biophysical properties (such as structural, functional, and spatial information, amino acid conservation, physicochemical variation, residue mobility, and thermodynamic stability) indicates that this missense variant is not expected to disrupt BRCA2 protein function with a negative predictive value of 95%. In summary, the available evidence is currently insufficient to determine the role of this variant in disease. Therefore, it has been classified as a Variant of Uncertain Significance.

All of Us Research Program, National Institutes of Health
Classification: Uncertain significance for BRCA2-related cancer predisposition. Last evaluated: 2024-08-06. Review status: criteria provided, single submitter. Criteria: ACMG Guidelines, 2015. Collection method: clinical testing. Allele origin: germline. Inheritance: Autosomal dominant inheritance. Observed: 1 variant allele, 1 heterozygote.
Comment: This missense variant replaces isoleucine with valine at codon 3103 of the BRCA2 protein. Computational prediction suggests that this variant may not impact protein structure and function (internally defined REVEL score threshold <= 0.5, PMID: 27666373). To our knowledge, functional studies have not been reported for this variant. This variant has been reported in 1 individual affected with breast cancer (PMID: 33471991; Leiden Open Variation Database DB-ID BRCA2_000445). This variant has not been identified in the general population by the Genome Aggregation Database (gnomAD). The available evidence is insufficient to determine the role of this variant in disease conclusively. Therefore, this variant is classified as a Variant of Uncertain Significance.

This study involves interpretation of variants in research participants for the purpose of population health screening. Participant phenotype was not available at the time of variant classification. Additional details can be found in publication PMID: 35346344, PMCID: PMC8962531

Color Diagnostics, LLC DBA Color Health
Classification: Uncertain significance for Hereditary cancer-predisposing syndrome. Last evaluated: 2022-05-06. Review status: criteria provided, single submitter. Criteria: ACMG Guidelines, 2015. Collection method: clinical testing. Allele origin: germline.
Comment: This missense variant replaces isoleucine with valine at codon 3103 of the BRCA2 protein. Computational prediction suggests that this variant may not impact protein structure and function (internally defined REVEL score threshold <= 0.5, PMID: 27666373). To our knowledge, functional studies have not been reported for this variant. This variant has been reported in 1 individual affected with breast cancer (PMID: 33471991; Leiden Open Variation Database DB-ID BRCA2_000445). This variant has not been identified in the general population by the Genome Aggregation Database (gnomAD). The available evidence is insufficient to determine the role of this variant in disease conclusively. Therefore, this variant is classified as a Variant of Uncertain Significance.

Ambry Genetics
Classification: Likely benign for Hereditary cancer-predisposing syndrome. Last evaluated: 2021-06-09. Review status: criteria provided, single submitter. Criteria: Ambry Variant Classification Scheme 2023. Collection method: clinical testing. Allele origin: germline.

GeneDx
Classification: Uncertain significance. Last evaluated: 2019-07-22. Review status: criteria provided, single submitter. Criteria: GeneDx Variant Classification Process June 2021. Collection method: clinical testing. Allele origin: germline. Affected: yes.
Comment: Not observed in large population cohorts (Lek et al., 2016); In silico analysis, which includes protein predictors and evolutionary conservation, supports that this variant does not alter protein structure/function; This variant is associated with the following publications: (PMID: 19043619)

Counsyl
Classification: Uncertain significance for Breast-ovarian cancer, familial, susceptibility to, 2. Last evaluated: 2017-05-01. Review status: no assertion criteria provided. Collection method: clinical testing. Allele origin: unknown. Not counted in ClinVar's aggregate classification.

Breast Cancer Information Core (BIC) (BRCA2)
Classification: Uncertain significance for Breast-ovarian cancer, familial 2. Last evaluated: 2011-10-19. Review status: no assertion criteria provided. Collection method: clinical testing. Allele origin: germline. Affected: yes. Observed: 2 variant alleles. Not counted in ClinVar's aggregate classification.

Sharing Clinical Reports Project (SCRP)
Classification: Uncertain significance for Breast-ovarian cancer, familial 2. Last evaluated: 2010-05-26. Review status: no assertion criteria provided. Collection method: clinical testing. Allele origin: germline. Not counted in ClinVar's aggregate classification.

Literature cited by the submitters: PubMed 33471991 (cited by 3 submitters); PubMed 19043619 (cited by Ambry Genetics and Counsyl).

NM_000059.4(BRCA2):c.9307A>G (p.Ile3103Val)

Gene: BRCA2 (BRCA2 DNA repair associated; plus strand). Cytogenetic location: 13q13.1.
Variant type: single nucleotide variant.
Coding change: c.9307A>G on transcript NM_000059.4 (MANE Select); coding-DNA position 9307, A replaced by G.
Protein change: p.Ile3103Val; replaces isoleucine 3103 with valine.
Molecular consequence: missense variant.
Genome position (GRCh38, 1-based): chr13:32,394,739, A>G. VCF-style: chr13-32394739-A-G. GRCh37 (hg19) VCF-style: chr13-32968876-A-G.
Other names: 9535A>G; short protein forms I3103V.
Identifiers: ClinVar variation 52810 (VCV000052810.22), dbSNP rs80359203, ClinGen allele CA026099.
Genomic context (GRCh38, chr13:32,394,739, plus strand): 5'-TCCATTCTAGGACTTGCCCCTTTCGTCTATTTGTCAGACGAATGTTACAATTTACTGGCA[A>G]TAAAGTTTTGGATAGACCTTAATGAGGACATTATTAAGCCTCATATGTTAATTGCTGCAA-3'
Protein context (NP_000050.3, residues 3093-3113): LSDECYNLLA[Ile3103Val]KFWIDLNEDI